The following is an entry in ClinVar:

ClinVar aggregate classification (germline): Uncertain significance (1 of 4 stars; one submission).

Submission:

Labcorp Genetics (formerly Invitae), Labcorp
Classification: Uncertain significance. Last evaluated: 2025-05-11. Review status: criteria provided, single submitter. Criteria: Invitae Variant Classification Sherloc (09022015). Collection method: clinical testing. Allele origin: germline.
Comment: This sequence change replaces glutamine, which is neutral and polar, with histidine, which is basic and polar, at codon 1194 of the POLE protein (p.Gln1194His). This variant also falls at the last nucleotide of exon 29, which is part of the consensus splice site for this exon. This variant is not present in population databases (gnomAD no frequency). This variant has not been reported in the literature in individuals affected with POLE-related conditions. ClinVar contains an entry for this variant (Variation ID: 3664516). An algorithm developed to predict the effect of missense changes on protein structure and function (PolyPhen-2) suggests that this variant is likely to be tolerated. Variants that disrupt the consensus splice site are a relatively common cause of aberrant splicing (PMID: 17576681, 9536098). Algorithms developed to predict the effect of sequence changes on RNA splicing suggest that this variant may disrupt the consensus splice site. In summary, the available evidence is currently insufficient to determine the role of this variant in disease. Therefore, it has been classified as a Variant of Uncertain Significance.

Literature cited by the submitters: PubMed 17576681; PubMed 9536098.

NM_006231.4(POLE):c.3582G>T (p.Gln1194His)

Gene: POLE (DNA polymerase epsilon, catalytic subunit; minus strand). Cytogenetic location: 12q24.33.
Variant type: single nucleotide variant.
Coding change: c.3582G>T on transcript NM_006231.4 (MANE Select); coding-DNA position 3582, G replaced by T.
Protein change: p.Gln1194His; replaces glutamine 1194 with histidine.
Molecular consequence: missense variant.
Genome position (GRCh38, 1-based): chr12:132,657,136, C>A on the plus strand (G>T on the coding strand, the complement: POLE is on the minus strand). VCF-style: chr12-132657136-C-A. GRCh37 (hg19) VCF-style: chr12-133233722-C-A.
Other names: short protein forms Q1194H.
Identifiers: ClinVar variation 3664516 (VCV003664516.2).
Genomic context (GRCh38, chr12:132,657,136, plus strand): 5'-CCTGGAGTCCTGTGTGTCACAAGGATCCCGCCCAGCCCAGCCTTGGGGCCCCACCGTCAC[C>A]TGTCTCCTGCCCTCCAGGGTGAAGAGCTCACTGATCTTCTTCTGCTTGTAGACATCATTC-3'
Protein context (NP_006222.2, residues 1184-1204): SELFTLEGRR[Gln1194His]VTMAEASEDS